The following is an entry in ClinVar:

ClinVar aggregate classification (germline): Uncertain significance (1 of 4 stars; one submission).

gnomAD v4.1: 1 of 1,613,620 alleles (0.000062%); highest among the groups gnomAD compares: Non-Finnish European, 0.000085%; no homozygotes.

Submission:

Labcorp Genetics (formerly Invitae), Labcorp
Classification: Uncertain significance. Last evaluated: 2024-06-02. Review status: criteria provided, single submitter. Criteria: Invitae Variant Classification Sherloc (09022015). Collection method: clinical testing. Allele origin: germline.
Comment: This sequence change replaces serine, which is neutral and polar, with tyrosine, which is neutral and polar, at codon 3872 of the USH2A protein (p.Ser3872Tyr). This variant is not present in population databases (gnomAD no frequency). This variant has not been reported in the literature in individuals affected with USH2A-related conditions. Advanced modeling of protein sequence and biophysical properties (such as structural, functional, and spatial information, amino acid conservation, physicochemical variation, residue mobility, and thermodynamic stability) performed at Invitae indicates that this missense variant is not expected to disrupt USH2A protein function with a negative predictive value of 95%. In summary, the available evidence is currently insufficient to determine the role of this variant in disease. Therefore, it has been classified as a Variant of Uncertain Significance.

NM_206933.4(USH2A):c.11615C>A (p.Ser3872Tyr)

Gene: USH2A (usherin; minus strand). Cytogenetic location: 1q41.
Variant type: single nucleotide variant.
Coding change: c.11615C>A on transcript NM_206933.4 (MANE Select); coding-DNA position 11615, C replaced by A.
Protein change: p.Ser3872Tyr; replaces serine 3872 with tyrosine.
Molecular consequence: missense variant.
Genome position (GRCh38, 1-based): chr1:215,741,471, G>T on the plus strand (C>A on the coding strand, the complement: USH2A is on the minus strand). VCF-style: chr1-215741471-G-T. GRCh37 (hg19) VCF-style: chr1-215914813-G-T.
Other names: short protein forms S3872Y.
Identifiers: ClinVar variation 3611252 (VCV003611252.2).
Genomic context (GRCh38, chr1:215,741,471, plus strand): 5'-TTTTCAGGTGGCATCCACTTAATCTCTATGCAAGCTGACCCCAGTGCCTTAAGAACAGGA[G>T]AATTAAGATCCATTGGGGCTGCTTCAGGTGTTTTGACAAACATCCTACTGCTAACTCCAC-3'
Protein context (NP_996816.3, residues 3862-3882): TPEAAPMDLN[Ser3872Tyr]PVLKALGSAC